The following is an entry in ClinVar:

ClinVar aggregate classification (germline): Uncertain significance (1 of 4 stars; one submission).

Conditions:
Hereditary spastic paraplegia 11. Also called: SPASTIC PARAPLEGIA, AUTOSOMAL RECESSIVE, COMPLICATED, WITH THIN CORPUS CALLOSUM; SPASTIC PARAPLEGIA, AUTOSOMAL RECESSIVE, WITH MENTAL IMPAIRMENT AND THIN CORPUS CALLOSUM; Spastic Paraplegia 11; Nakamura Osame syndrome; Autosomal recessive hereditary spastic paraplegia, mental impairment, and thin corpus callosum; Spastic paraplegia, mental retardation and thin corpus callosum. Identifiers: Orphanet 2822, MedGen C1858479, MONDO:0011445, OMIM 604360.

Allele frequency attached by ClinVar (database versions not stated): gnomAD exomes below 0.00001; gnomAD 0.00002; TOPMed 0.00002.
gnomAD v4.1: 10 of 1,613,862 alleles (0.00062%); highest among the groups gnomAD compares: Non-Finnish European, 0.00042%; no homozygotes.

Submission:

Labcorp Genetics (formerly Invitae), Labcorp
Classification: Uncertain significance for Hereditary spastic paraplegia 11. Last evaluated: 2021-12-13. Review status: criteria provided, single submitter. Criteria: Invitae Variant Classification Sherloc (09022015). Collection method: clinical testing. Allele origin: germline.
Comment: This sequence change replaces glutamine, which is neutral and polar, with arginine, which is basic and polar, at codon 1647 of the SPG11 protein (p.Gln1647Arg). This variant is present in population databases (no rsID available, gnomAD 0.01%). This variant has not been reported in the literature in individuals affected with SPG11-related conditions. ClinVar contains an entry for this variant (Variation ID: 645420). Algorithms developed to predict the effect of missense changes on protein structure and function (SIFT, PolyPhen-2, Align-GVGD) all suggest that this variant is likely to be tolerated. In summary, the available evidence is currently insufficient to determine the role of this variant in disease. Therefore, it has been classified as a Variant of Uncertain Significance.

NM_025137.4(SPG11):c.4940A>G (p.Gln1647Arg)

Gene: SPG11 (SPG11 vesicle trafficking associated, spatacsin; minus strand). Cytogenetic location: 15q21.1.
Variant type: single nucleotide variant.
Coding change: c.4940A>G on transcript NM_025137.4 (MANE Select); coding-DNA position 4940, A replaced by G.
Protein change: p.Gln1647Arg; replaces glutamine 1647 with arginine.
Molecular consequence: missense variant.
Genome position (GRCh38, 1-based): chr15:44,585,817, T>C on the plus strand (A>G on the coding strand, the complement: SPG11 is on the minus strand). VCF-style: chr15-44585817-T-C. GRCh37 (hg19) VCF-style: chr15-44878015-T-C.
Other names: c.4940A>G, p.Gln1647Arg (NM_001160227.2); short protein forms Q1647R.
Identifiers: ClinVar variation 645420 (VCV000645420.4), dbSNP rs1326184542, ClinGen allele CA392223670.
Genomic context (GRCh38, chr15:44,585,817, plus strand): 5'-TCAATGCTGTAGCTGGTAATAATTGTATGATTAATGGCTATGGATGTATCCTTCAAAATC[T>C]GGCAAAGGATGCAAAGCTTTTTCACATCTGGACCTGTGCCAAAGAGAAAAGGATATAAAC-3'
Protein context (NP_079413.3, residues 1637-1657): PDVKKLCILC[Gln1647Arg]ILKDTSIAIN